The following is an entry in ClinVar:

ClinVar aggregate classification (germline): Uncertain significance. Review status: criteria provided, multiple submitters, no conflicts (2 of 4 stars). 11 submissions from 11 submitters: Uncertain significance (9). 2 of the submissions do not count toward it. Last evaluated 2026-01-28.

Conditions:
Familial cancer of breast. Also called: BREAST CANCER, FAMILIAL; Hereditary breast cancer; hereditary breast carcinoma. Identifiers: Orphanet 227535, MedGen C0346153, MONDO:0016419, OMIM 114480. Disease mechanism: loss of function.
Fanconi anemia complementation group J. Also called: BRIP1-Related Fanconi Anemia. Identifiers: Orphanet 84, MedGen C1836860, MONDO:0012187, OMIM 609054.
Hereditary cancer-predisposing syndrome. Also called: Hereditary Cancer Syndrome; Neoplastic Syndromes, Hereditary; Tumor predisposition; Hereditary neoplastic syndrome. Identifiers: Orphanet 140162, MedGen C0027672, MeSH D009386, MONDO:0015356.

Allele frequency attached by ClinVar (database versions not stated): gnomAD exomes 0.00001; TOPMed 0.00002; 1000 Genomes Project 30x 0.00016; 1000 Genomes Project 0.00020.
gnomAD v4.1: 25 of 1,614,148 alleles (0.0015%); highest among the groups gnomAD compares: East Asian, 0.0022%; no homozygotes.

Submissions (11):

Labcorp Genetics (formerly Invitae), Labcorp
Classification: Uncertain significance for Familial cancer of breast; Fanconi anemia complementation group J. Last evaluated: 2026-01-28. Review status: criteria provided, single submitter. Criteria: Invitae Variant Classification Sherloc (09022015). Collection method: clinical testing. Allele origin: germline.
Comment: This sequence change replaces alanine, which is neutral and non-polar, with threonine, which is neutral and polar, at codon 662 of the BRIP1 protein (p.Ala662Thr). This variant is present in population databases (rs571340013, gnomAD 0.002%). This missense change has been observed in individual(s) with breast cancer (PMID: 25452441). ClinVar contains an entry for this variant (Variation ID: 187645). Invitae Evidence Modeling of protein sequence and biophysical properties (such as structural, functional, and spatial information, amino acid conservation, physicochemical variation, residue mobility, and thermodynamic stability) has been performed for this missense variant. However, the output from this modeling did not meet the statistical confidence thresholds required to predict the impact of this variant on BRIP1 protein function. In summary, the available evidence is currently insufficient to determine the role of this variant in disease. Therefore, it has been classified as a Variant of Uncertain Significance.

Center for Genomic Medicine, Rigshospitalet, Copenhagen University Hospital
Classification: Uncertain significance. Last evaluated: 2025-12-29. Review status: criteria provided, single submitter. Criteria: ACMG Guidelines, 2015. Collection method: clinical testing. Allele origin: germline.

Ambry Genetics
Classification: Uncertain significance for Hereditary cancer-predisposing syndrome. Last evaluated: 2025-01-08. Review status: criteria provided, single submitter. Criteria: Ambry Variant Classification Scheme 2023. Collection method: clinical testing. Allele origin: germline.
Comment: The p.A662T variant (also known as c.1984G>A), located in coding exon 13 of the BRIP1 gene, results from a G to A substitution at nucleotide position 1984. The alanine at codon 662 is replaced by threonine, an amino acid with similar properties. This variant has been detected in 1/1824 patients with triple negative breast cancer who were unselected for a family history of breast or ovarian cancer (Couch FJ et al. J Clin Oncol, 2015 Feb;33:304-11). This amino acid position is highly conserved in available vertebrate species. In addition, the in silico prediction for this alteration is inconclusive. Based on the available evidence, the clinical significance of this variant remains unclear.

Color Diagnostics, LLC DBA Color Health
Classification: Uncertain significance for Hereditary cancer-predisposing syndrome. Last evaluated: 2024-06-14. Review status: criteria provided, single submitter. Criteria: ACMG Guidelines, 2015. Collection method: clinical testing. Allele origin: germline.
Comment: This missense variant replaces alanine with threonine at codon 662 of the BRIP1 protein. Computational prediction is inconclusive regarding the impact of this variant on protein structure and function. To our knowledge, functional studies have not been reported for this variant. In an international breast cancer case-control meta-analysis, this variant was detected in 2/60466 cases and 3/53461 unaffected controls (PMID: 33471991). This variant has also been reported in an individual affected with breast cancer (PMID: 25452441). This variant has been identified in 4/282732 chromosomes in the general population by the Genome Aggregation Database (gnomAD). The available evidence is insufficient to determine the role of this variant in disease conclusively. Therefore, this variant is classified as a Variant of Uncertain Significance.

Genetic Services Laboratory, University of Chicago
Classification: Uncertain significance. Last evaluated: 2024-03-16. Review status: criteria provided, single submitter. Criteria: ACMG Guidelines, 2015. Collection method: clinical testing. Allele origin: germline. Affected: no.
Comment: DNA sequence analysis of the BRIP1 gene demonstrated a sequence change, c.1984G>A, in exon 14 that results in an amino acid change, p.Ala662Thr. This sequence change has been previously described in an individual with breast cancer (PMID: 25452441). This sequence change has been described in the gnomAD database with a frequency of 0.001% in the overall population (dbSNP rs571340013). The p.Ala662Thr change affects a highly conserved amino acid residue located in a domain of the BRIP1 protein that is known to be functional. In-silico pathogenicity prediction tools (SIFT, PolyPhen2, Align GVGD, REVEL) provide contradictory results for the p.Ala662Thr substitution. Due to insufficient evidences and the lack of functional studies, the clinical significance of the p.Ala662Thr change remains unknown at this time.

Fulgent Genetics
Classification: Uncertain significance for Familial cancer of breast; Fanconi anemia complementation group J. Last evaluated: 2024-02-24. Review status: criteria provided, single submitter. Criteria: ACMG Guidelines, 2015. Collection method: clinical testing. Allele origin: germline.

GeneDx
Classification: Uncertain significance. Last evaluated: 2024-02-12. Review status: criteria provided, single submitter. Criteria: GeneDx Variant Classification Process June 2021. Collection method: clinical testing. Allele origin: germline. Affected: yes.
Comment: In silico analysis supports that this missense variant has a deleterious effect on protein structure/function; Observed in individual(s) with a personal history of breast cancer (PMID: 25452441); This variant is associated with the following publications: (PMID: 25452441)

Women's Health and Genetics/Laboratory Corporation of America, LabCorp
Classification: Uncertain significance. Last evaluated: 2024-01-29. Review status: criteria provided, single submitter. Criteria: LabCorp Variant Classification Summary - May 2015. Collection method: clinical testing. Allele origin: germline.
Comment: Variant summary: BRIP1 c.1984G>A (p.Ala662Thr) results in a non-conservative amino acid change in the encoded protein sequence. Four of five in-silico tools predict a damaging effect of the variant on protein function. The variant allele was found at a frequency of 1.2e-05 in 251328 control chromosomes (gnomAD). The available data on variant occurrences in the general population are insufficient to allow any conclusion about variant significance. c.1984G>A has been reported in the literature in individuals affected with breast cancer (e.g., Couch_2015, Dorling_2021), however has also been reported in unaffected controls (e.g., Dorling_2021). These reports therefore do not provide unequivocal conclusions about association of the variant with Hereditary Breast And Ovarian Cancer Syndrome. To our knowledge, no experimental evidence demonstrating an impact on protein function has been reported. The following publications have been ascertained in the context of this evaluation (PMID: 25452441, 33471991). ClinVar contains an entry for this variant (Variation ID: 187645). Based on the evidence outlined above, the variant was classified as uncertain significance.

Baylor Genetics
Classification: Uncertain significance for Familial cancer of breast. Last evaluated: 2023-12-11. Review status: criteria provided, single submitter. Criteria: ACMG Guidelines, 2015. Collection method: clinical testing. Allele origin: unknown.

Joint Genome Diagnostic Labs from Nijmegen and Maastricht, Radboudumc and MUMC+
Classification: Uncertain significance. Review status: no assertion criteria provided. Collection method: clinical testing. Allele origin: germline. Affected: yes. Study: VKGL Data-share Consensus. Not counted in ClinVar's aggregate classification.

Laboratory of Diagnostic Genome Analysis, Leiden University Medical Center (LUMC)
Classification: Uncertain significance. Review status: no assertion criteria provided. Collection method: clinical testing. Allele origin: germline. Affected: yes. Study: VKGL Data-share Consensus. Not counted in ClinVar's aggregate classification.

Literature cited by the submitters: PubMed 25452441 (cited by 4 submitters); PubMed 33471991 (cited by Color Diagnostics, LLC DBA Color Health and Women's Health and Genetics/Laboratory Corporation of America, LabCorp).

NM_032043.3(BRIP1):c.1984G>A (p.Ala662Thr)

Gene: BRIP1 (BRCA1 interacting DNA helicase 1; minus strand). Cytogenetic location: 17q23.2.
Variant type: single nucleotide variant.
Coding change: c.1984G>A on transcript NM_032043.3 (MANE Select); coding-DNA position 1984, G replaced by A.
Protein change: p.Ala662Thr; replaces alanine 662 with threonine.
Molecular consequence: missense variant.
Genome position (GRCh38, 1-based): chr17:61,776,514, C>T on the plus strand (G>A on the coding strand, the complement: BRIP1 is on the minus strand). VCF-style: chr17-61776514-C-T. GRCh37 (hg19) VCF-style: chr17-59853875-C-T.
Other names: short protein forms A662T.
Identifiers: ClinVar variation 187645 (VCV000187645.36), dbSNP rs571340013, ClinGen allele CA198181.